The following is an entry in ClinVar:

ClinVar aggregate classification (germline): Conflicting classifications of pathogenicity. Review status: criteria provided, conflicting classifications (1 of 4 stars). 4 submissions from 4 submitters: Uncertain significance (1); Likely benign (3). Last evaluated 2025-05-04.

Conditions:
Hereditary breast ovarian cancer syndrome. Also called: Hereditary breast and ovarian cancer; Hereditary breast and/or ovarian cancer syndrome; Hereditary breast and ovarian cancer syndrome; Hereditary breast and ovarian cancer syndrome (HBOC); Breast and ovarian cancer; BRCA1- and BRCA2-Associated Hereditary Breast and Ovarian Cancer. Identifiers: Orphanet 145, MedGen C0677776, MeSH D061325, MONDO:0003582. Disease mechanism: loss of function.
Hereditary cancer-predisposing syndrome. Also called: Hereditary neoplastic syndrome; Tumor predisposition; Neoplastic Syndromes, Hereditary; Hereditary Cancer Syndrome. Identifiers: Orphanet 140162, MedGen C0027672, MeSH D009386, MONDO:0015356.

Allele frequency attached by ClinVar (database versions not stated): gnomAD exomes 0.00001.
gnomAD v4.1: 7 of 1,608,272 alleles (0.00044%); highest among the groups gnomAD compares: Non-Finnish European, 0.00059%; no homozygotes.

Submissions (4):

Labcorp Genetics (formerly Invitae), Labcorp
Classification: Likely benign for Hereditary breast ovarian cancer syndrome. Last evaluated: 2025-05-04. Review status: criteria provided, single submitter. Criteria: Invitae Variant Classification Sherloc (09022015). Collection method: clinical testing. Allele origin: germline.

Color Diagnostics, LLC DBA Color Health
Classification: Likely benign for Hereditary cancer-predisposing syndrome. Last evaluated: 2022-03-22. Review status: criteria provided, single submitter. Criteria: ACMG Guidelines, 2015. Collection method: clinical testing. Allele origin: germline.

Ambry Genetics
Classification: Likely benign for Hereditary cancer-predisposing syndrome. Last evaluated: 2019-05-24. Review status: criteria provided, single submitter. Criteria: Ambry Variant Classification Scheme 2023. Collection method: clinical testing. Allele origin: germline.

GeneDx
Classification: Uncertain significance. Last evaluated: 2016-10-27. Review status: criteria provided, single submitter. Criteria: GeneDx Variant Classification (06012015). Collection method: clinical testing. Allele origin: germline. Affected: yes.
Comment: This variant is denoted BRCA1 c.672T>G at the DNA level. Although this variant is silent at the coding level, preserving an Alanine at codon 224, it is predicted to cause abnormal splicing. However, in the absence of RNA or functional studies, the actual effect of this variant is unknown. This variant has not, to our knowledge, been published in the literature as being pathogenic or benign. BRCA1 c.672T>G was not observed in approximately 6,400 individuals of European and African American ancestry in the NHLBI Exome Sequencing Project, suggesting it is not a common benign variant in these populations. The nucleotide which is altered, a thymine (T) at base 672, is conserved across species. Based on currently available information, it is unclear whether BRCA1 c.672T>G is a pathogenic or benign variant. We consider it to be a variant of uncertain significance.

NM_007294.4(BRCA1):c.672T>G (p.Ala224=)

Gene: BRCA1 (BRCA1 DNA repair associated; minus strand). Cytogenetic location: 17q21.31.
Variant type: single nucleotide variant.
Coding change: c.672T>G on transcript NM_007294.4 (MANE Select); coding-DNA position 672, T replaced by G.
Protein change: p.Ala224=; no amino-acid change (alanine 224 retained).
Molecular consequence: synonymous variant. On other transcripts: 5 prime UTR variant (2), intron variant (13).
Genome position (GRCh38, 1-based): chr17:43,094,859, A>C on the plus strand (T>G on the coding strand, the complement: BRCA1 is on the minus strand). VCF-style: chr17-43094859-A-C. GRCh37 (hg19) VCF-style: chr17-41246876-A-C.
Other names: c.459T>G, p.Ala153= (NM_001407571.1, NM_001407853.1, NM_001407894.1 and 12 more transcripts); c.672T>G, p.Ala224= (NM_001407581.1, NM_001407582.1, NM_001407583.1 and 54 more transcripts); c.669T>G, p.Ala223= (NM_001407587.1, NM_001407590.1, NM_001407591.1 and 38 more transcripts); c.663T>G, p.Ala221= (NM_001407646.1, NM_001407647.1, NM_001408408.1); c.549T>G, p.Ala183= (NM_001407648.1, NM_001407664.1, NM_001407665.1 and 34 more transcripts); c.546T>G, p.Ala182= (NM_001407649.1, NM_001407670.1, NM_001407671.1 and 20 more transcripts); c.594T>G, p.Ala198= (NM_001407653.1, NM_001407654.1, NM_001407655.1 and 9 more transcripts); c.591T>G, p.Ala197= (NM_001407659.1, NM_001407660.1, NM_001407661.1 and 3 more transcripts); and 20 more.
Identifiers: ClinVar variation 420455 (VCV000420455.17), dbSNP rs1064794486, ClinGen allele CA16620444.